The following is an entry in ClinVar:

ClinVar aggregate classification (germline): Benign. Review status: criteria provided, multiple submitters, no conflicts (2 of 4 stars). 22 submissions from 16 submitters: Benign (19). 3 of the submissions do not count toward it. Last evaluated 2026-02-04.

Conditions:
Marfan syndrome (MFS). Also called: FBN1-Related Marfan Syndrome; Marfan syndrome, classic; MARFAN SYNDROME, TYPE I; Marfan syndrome type 1; Marfan's syndrome. Identifiers: Orphanet 284963, Orphanet 558, MedGen C0024796, MONDO:0007947, OMIM 154700.
Progeroid and marfanoid aspect-lipodystrophy syndrome. Also called: MARFANOID-PROGEROID-LIPODYSTROPHY SYNDROME; Marfan lipodystrophy syndrome; MARFANOID-PROGEROID SYNDROME; MARFAN-PROGEROID-LIPODYSTROPHY SYNDROME. Identifiers: Orphanet 300382, MedGen C4310796, MONDO:0014831, OMIM 616914.
MASS syndrome (OCTD). Also called: MASS PHENOTYPE; OVERLAP CONNECTIVE TISSUE DISEASE. Identifiers: MedGen C1858556, MONDO:0011431, OMIM 604308.
Geleophysic dysplasia 2 (GPHYSD2). Identifiers: Orphanet 2623, MedGen C3280054, MONDO:0013612, OMIM 614185.
Stiff skin syndrome (SSKS). Identifiers: Orphanet 2833, MedGen C1861456, MONDO:0008492, OMIM 184900.
Ectopia lentis 1, isolated, autosomal dominant (ECTOL1). Identifiers: Orphanet 1885, MedGen C3541518, MONDO:0007514, OMIM 129600.
Weill-Marchesani syndrome 2, dominant. Also called: Weill-Marchesani Syndrome, Autosomal Dominant; FBN1-Related Weill-Marchesani Syndrome. Identifiers: Orphanet 2084, MedGen C1869115, MONDO:0012013, OMIM 608328.
Acromicric dysplasia (ACMICD). Also called: Acromicric skeletal dysplasia. Identifiers: Orphanet 969, MedGen C0265287, MONDO:0007055, OMIM 102370.
Geleophysic dysplasia. Identifiers: Orphanet 2623, MedGen C3489726, MONDO:0000127.
Weill-Marchesani syndrome. Also called: WM Syndrome; Mesodermal dysmorphodystrophy congenital. Identifiers: Orphanet 3449, MedGen C0265313, MONDO:0018096.
Familial thoracic aortic aneurysm and aortic dissection (TAAD). Also called: Thoracic aortic aneurysms and dissections. Identifiers: Orphanet 91387, MedGen C4707243, MONDO:0019625.

Allele frequency attached by ClinVar (database versions not stated): 1000 Genomes Project 30x 0.04903; ESP Exome Variant Server 0.02633; gnomAD 0.02418; ExAC 0.02964; TOPMed 0.03149; 1000 Genomes Project 0.05092.
gnomAD v4.1: 36,933 of 1,614,014 alleles (2.3%); highest among the groups gnomAD compares: East Asian, 10%; 772 homozygotes.

Submissions (22):

Labcorp Genetics (formerly Invitae), Labcorp
Classification: Benign for Marfan syndrome; Familial thoracic aortic aneurysm and aortic dissection. Last evaluated: 2026-02-04. Review status: criteria provided, single submitter. Criteria: Invitae Variant Classification Sherloc (09022015). Collection method: clinical testing. Allele origin: germline.

ARUP Laboratories, Molecular Genetics and Genomics, ARUP Laboratories
Classification: Benign. Last evaluated: 2025-07-29. Review status: criteria provided, single submitter. Criteria: ARUP Molecular Germline Variant Investigation Process 2024. Collection method: clinical testing. Allele origin: germline.

Molecular Diagnostic Laboratory for Inherited Cardiovascular Disease, Montreal Heart Institute
Classification: Benign. Last evaluated: 2025-04-09. Review status: criteria provided, single submitter. Criteria: ACMG Guidelines, 2015. Collection method: clinical testing. Allele origin: germline. Affected: no.

Blueprint Genetics
Classification: Benign. Last evaluated: 2024-11-26. Review status: criteria provided, single submitter. Criteria: ACMG Guidelines, 2015. Collection method: clinical testing. Allele origin: germline.

Color Diagnostics, LLC DBA Color Health
Classification: Benign for Familial thoracic aortic aneurysm and aortic dissection. Last evaluated: 2018-03-16. Review status: criteria provided, single submitter. Criteria: ACMG Guidelines, 2015. Collection method: clinical testing. Allele origin: germline.

Illumina Laboratory Services, Illumina
Classification: Benign for Stiff skin syndrome. Last evaluated: 2018-01-13. Review status: criteria provided, single submitter. Criteria: ICSL Variant Classification Criteria 13 December 2019. Collection method: clinical testing. Allele origin: germline.
Comment: This variant was observed in the ICSL laboratory as part of a predisposition screen in an ostensibly healthy population. It had not been previously curated by ICSL or reported in the Human Gene Mutation Database (HGMD: prior to June 1st, 2018), and was therefore a candidate for classification through an automated scoring system. Utilizing variant allele frequency, disease prevalence and penetrance estimates, and inheritance mode, an automated score was calculated to assess if this variant is too frequent to cause the disease. Based on the score and internal cut-off values, a variant classified as benign is not then subjected to further curation. The score for this variant resulted in a classification of benign for this disease.

Illumina Laboratory Services, Illumina
Classification: Benign for Marfan syndrome. Last evaluated: 2018-01-13. Review status: criteria provided, single submitter. Criteria: ICSL Variant Classification Criteria 13 December 2019. Collection method: clinical testing. Allele origin: germline.
Comment: the same text as in the submission from Illumina Laboratory Services, Illumina above.

Illumina Laboratory Services, Illumina
Classification: Benign for Weill-Marchesani syndrome. Last evaluated: 2018-01-13. Review status: criteria provided, single submitter. Criteria: ICSL Variant Classification Criteria 13 December 2019. Collection method: clinical testing. Allele origin: germline.
Comment: the same text as in the submission from Illumina Laboratory Services, Illumina above.

Illumina Laboratory Services, Illumina
Classification: Benign for Familial thoracic aortic aneurysm and aortic dissection. Last evaluated: 2018-01-13. Review status: criteria provided, single submitter. Criteria: ICSL Variant Classification Criteria 13 December 2019. Collection method: clinical testing. Allele origin: germline.
Comment: the same text as in the submission from Illumina Laboratory Services, Illumina above.

Illumina Laboratory Services, Illumina
Classification: Benign for Geleophysic dysplasia. Last evaluated: 2018-01-13. Review status: criteria provided, single submitter. Criteria: ICSL Variant Classification Criteria 13 December 2019. Collection method: clinical testing. Allele origin: germline.
Comment: the same text as in the submission from Illumina Laboratory Services, Illumina above.

Illumina Laboratory Services, Illumina
Classification: Benign for Ectopia lentis 1, isolated, autosomal dominant. Last evaluated: 2018-01-13. Review status: criteria provided, single submitter. Criteria: ICSL Variant Classification Criteria 13 December 2019. Collection method: clinical testing. Allele origin: germline.
Comment: the same text as in the submission from Illumina Laboratory Services, Illumina above.

Illumina Laboratory Services, Illumina
Classification: Benign for Acromicric dysplasia. Last evaluated: 2018-01-13. Review status: criteria provided, single submitter. Criteria: ICSL Variant Classification Criteria 13 December 2019. Collection method: clinical testing. Allele origin: germline.
Comment: the same text as in the submission from Illumina Laboratory Services, Illumina above.

Ambry Genetics
Classification: Benign for Familial thoracic aortic aneurysm and aortic dissection. Last evaluated: 2014-12-30. Review status: criteria provided, single submitter. Criteria: Ambry Variant Classification Scheme 2023. Collection method: clinical testing. Allele origin: germline.

Mayo Clinic Laboratories, Mayo Clinic
Classification: Benign. Last evaluated: 2014-01-29. Review status: criteria provided, single submitter. Criteria: ACMG Guidelines, 2015. Collection method: clinical testing. Allele origin: germline. Observed: 90 variant alleles.

GeneDx
Classification: Benign. Last evaluated: 2013-10-11. Review status: criteria provided, single submitter. Criteria: GeneDx Variant Classification (06012015). Collection method: clinical testing. Allele origin: germline. Affected: yes.
Comment: This variant is considered likely benign or benign based on one or more of the following criteria: it is a conservative change, it occurs at a poorly conserved position in the protein, it is predicted to be benign by multiple in silico algorithms, and/or has population frequency not consistent with disease.

Laboratory for Molecular Medicine, Mass General Brigham Personalized Medicine
Classification: Benign. Last evaluated: 2008-01-11. Review status: criteria provided, single submitter. Criteria: LMM Criteria. Collection method: clinical testing. Allele origin: germline. Observed: 44 variant alleles.

Breakthrough Genomics
Classification: Benign. Review status: criteria provided, single submitter. Criteria: ACMG Guidelines, 2015. Collection method: not provided. Allele origin: germline. Inheritance: Autosomal dominant inheritance. Affected: yes.

Center for Genomics, Ann and Robert H. Lurie Children's Hospital of Chicago
Classification: Benign for Geleophysic dysplasia 2; Weill-Marchesani syndrome 2, dominant; Ectopia lentis 1, isolated, autosomal dominant; MASS syndrome; Progeroid and marfanoid aspect-lipodystrophy syndrome; Acromicric dysplasia; Marfan syndrome; Stiff skin syndrome. Review status: criteria provided, single submitter. Criteria: ACMG Guidelines, 2015. Collection method: clinical testing. Allele origin: germline.
Comment: FBN1:NM_000138.4:c.6888G>A:p.Gln2296=: KCNT1 NM_020822.2 exon 11 p.Gly288Ser (c.862G>A): This variant has been reported in the literature in multiple individuals affected with epilepsy including MMPSI, ADNFLE and hypomyelinating leukodystrophy, several of whom were reported to be de novo (Selected publications: Ishii 2013 PMID:24029708, Kim 2014 PMID:25482562, Arai Ichinoi 2016 PMID:26597493, Rizzo 2016 PMID:26784557, Liu 2018 PMID:30185235, Routier 2019 PMID:31170314).This variant is not present in large control database but is present in ClinVar, with several labs classifying this variant as pathogenic (Variation ID:126421). Evolutionary conservation supports that this variant may impact the protein; computational predictive tools are unclear. Additionally, in vitro functional studies also suggest that this variant will impact the protein's activity (Kim 2014 PMID:25482562, Rizzo 2016 PMID:26784557). In summary, this variant is classified as pathogenic based on the data above.

PreventionGenetics, part of Exact Sciences
Classification: Benign. Review status: criteria provided, single submitter. Criteria: ACMG Guidelines, 2015. Collection method: clinical testing. Allele origin: germline.

Cohesion Phenomics
Classification: Likely benign for Marfan syndrome. Last evaluated: 2022-09-23. Review status: no assertion criteria provided. Criteria: ACMG Guidelines, 2015. Collection method: clinical testing. Allele origin: germline. Affected: yes. Not counted in ClinVar's aggregate classification.

Genome Diagnostics Laboratory, Amsterdam University Medical Center
Classification: Benign. Review status: no assertion criteria provided. Collection method: clinical testing. Allele origin: germline. Affected: yes. Study: VKGL Data-share Consensus. Not counted in ClinVar's aggregate classification.

Laboratory of Diagnostic Genome Analysis, Leiden University Medical Center (LUMC)
Classification: Likely benign. Review status: no assertion criteria provided. Collection method: clinical testing. Allele origin: germline. Affected: yes. Study: VKGL Data-share Consensus. Not counted in ClinVar's aggregate classification.

NM_000138.5(FBN1):c.6888G>A (p.Gln2296=)

Gene: FBN1 (fibrillin 1; minus strand). Cytogenetic location: 15q21.1.
Variant type: single nucleotide variant.
Coding change: c.6888G>A on transcript NM_000138.5 (MANE Select); coding-DNA position 6888, G replaced by A.
Protein change: p.Gln2296=; no amino-acid change (glutamine 2296 retained).
Molecular consequence: synonymous variant.
Genome position (GRCh38, 1-based): chr15:48,428,455, C>T on the plus strand (G>A on the coding strand, the complement: FBN1 is on the minus strand). VCF-style: chr15-48428455-C-T. GRCh37 (hg19) VCF-style: chr15-48720652-C-T.
Other names: p.Q2296Q:CAG>CAA; p.Gln2296=.
Identifiers: ClinVar variation 42413 (VCV000042413.44), dbSNP rs363830, ClinGen allele CA016821.